The following is an entry in ClinVar:

NM_001267550.2(TTN):c.79885G>C (p.Glu26629Gln)

Genes: TTN (titin; minus strand), TTN-AS1 (TTN antisense RNA 1; plus strand). Cytogenetic location: 2q31.2.
Variant type: single nucleotide variant.
Coding change: c.79885G>C on transcript NM_001267550.2 (MANE Select); coding-DNA position 79885, G replaced by C.
Protein change: p.Glu26629Gln; replaces glutamic acid 26629 with glutamine.
Molecular consequence: missense variant.
Genome position (GRCh38, 1-based): chr2:178,566,247, C>G on the plus strand (G>C on the coding strand, the complement: TTN is on the minus strand). VCF-style: chr2-178566247-C-G. GRCh37 (hg19) VCF-style: chr2-179430974-C-G.
Other names: c.72181G>C, p.Glu24061Gln (NM_133378.4); c.74962G>C, p.Glu24988Gln (NM_001256850.1); c.52690G>C, p.Glu17564Gln (NM_003319.4); c.53065G>C, p.Glu17689Gln (NM_133432.3); c.53266G>C, p.Glu17756Gln (NM_133437.4); short protein forms E24061Q, E26629Q, E24988Q, E17689Q, E17564Q, E17756Q.
Identifiers: ClinVar variation 179155 (VCV000179155.12), dbSNP rs727504673, ClinGen allele CA183828.

ClinVar aggregate classification (germline): Uncertain significance. Review status: criteria provided, multiple submitters, no conflicts (2 of 4 stars). 8 submissions from 4 submitters: Uncertain significance (8). Last evaluated 2022-04-25.

Conditions:
Autosomal recessive limb-girdle muscular dystrophy type 2J (LGMDR10). Also called: MUSCULAR DYSTROPHY, LIMB-GIRDLE, AUTOSOMAL RECESSIVE 10; Limb-girdle muscular dystrophy, type 2J. Identifiers: Orphanet 140922, MedGen C1837342, MONDO:0012127, OMIM 608807.
Tibial muscular dystrophy (TMD). Also called: Tibial muscular dystrophy, tardive; Udd Distal Myopathy – Tibial Muscular Dystrophy; UDD MYOPATHY. Identifiers: Orphanet 609, MedGen C1838244, MONDO:0010870, OMIM 600334.
Myopathy, myofibrillar, 9, with early respiratory failure (MFM9). Also called: Myopathy, distal, with early respiratory failure, autosomal dominant; EDSTROM MYOPATHY; MYOPATHY, PROXIMAL, WITH EARLY RESPIRATORY MUSCLE INVOLVEMENT; Hereditary myopathy with early respiratory failure. Identifiers: Orphanet 178464, Orphanet 34521, MedGen C1863599, MONDO:0011362, OMIM 603689.
Dilated cardiomyopathy 1G (CMD1G). Identifiers: Orphanet 154, MedGen C1858763, MONDO:0011400, OMIM 604145.
Early-onset myopathy with fatal cardiomyopathy (CMYO5). Also called: CONGENITAL MYOPATHY 5 WITH CARDIOMYOPATHY; Salih Myopathy. Identifiers: Orphanet 289377, MedGen C2673677, MONDO:0012714, OMIM 611705. Disease mechanism: loss of function.
Hypertrophic cardiomyopathy 9. Also called: Familial hypertrophic cardiomyopathy 9. Identifiers: MedGen C1861065, MONDO:0013412, OMIM 613765.

Allele frequency attached by ClinVar (database versions not stated): ExAC 0.00001; gnomAD 0.00001; TOPMed 0.00001; gnomAD exomes 0.00002.

Submissions (8):

Fulgent Genetics
Classification: Uncertain significance for Tibial muscular dystrophy; Myopathy, myofibrillar, 9, with early respiratory failure; Dilated cardiomyopathy 1G; Autosomal recessive limb-girdle muscular dystrophy type 2J; Early-onset myopathy with fatal cardiomyopathy; Hypertrophic cardiomyopathy 9. Last evaluated: 2022-04-25. Review status: criteria provided, single submitter. Criteria: ACMG Guidelines, 2015. Collection method: clinical testing. Allele origin: unknown.

Revvity Omics, Revvity
Classification: Uncertain significance. Last evaluated: 2020-09-07. Review status: criteria provided, single submitter. Criteria: ACMG Guidelines, 2015. Collection method: clinical testing. Allele origin: germline.

Illumina Laboratory Services, Illumina
Classification: Uncertain significance for Dilated cardiomyopathy 1G. Last evaluated: 2018-01-13. Review status: criteria provided, single submitter. Criteria: ICSL Variant Classification Criteria 13 December 2019. Collection method: clinical testing. Allele origin: germline.

Illumina Laboratory Services, Illumina
Classification: Uncertain significance for Autosomal recessive limb-girdle muscular dystrophy type 2J. Last evaluated: 2018-01-13. Review status: criteria provided, single submitter. Criteria: ICSL Variant Classification Criteria 13 December 2019. Collection method: clinical testing. Allele origin: germline.

Illumina Laboratory Services, Illumina
Classification: Uncertain significance for Myopathy, myofibrillar, 9, with early respiratory failure. Last evaluated: 2018-01-13. Review status: criteria provided, single submitter. Criteria: ICSL Variant Classification Criteria 13 December 2019. Collection method: clinical testing. Allele origin: germline.

Illumina Laboratory Services, Illumina
Classification: Uncertain significance for Tibial muscular dystrophy. Last evaluated: 2018-01-13. Review status: criteria provided, single submitter. Criteria: ICSL Variant Classification Criteria 13 December 2019. Collection method: clinical testing. Allele origin: germline.

Illumina Laboratory Services, Illumina
Classification: Uncertain significance for Early-onset myopathy with fatal cardiomyopathy. Last evaluated: 2018-01-13. Review status: criteria provided, single submitter. Criteria: ICSL Variant Classification Criteria 13 December 2019. Collection method: clinical testing. Allele origin: germline.

Laboratory for Molecular Medicine, Mass General Brigham Personalized Medicine
Classification: Uncertain significance. Last evaluated: 2013-08-02. Review status: criteria provided, single submitter. Criteria: LMM Criteria. Collection method: clinical testing. Allele origin: germline. Observed: 1 variant allele.
Comment: The Glu24061Gln variant in TTN has not been reported in individuals with cardiom yopathy or in large population studies. Computational analyses (biochemical amin o acid properties, conservation, AlignGVGD, PolyPhen2, and SIFT) do not provide strong support for or against an impact to the protein. Additional information i s needed to fully assess the clinical significance of this variant.